The following is an entry in ClinVar:

NM_001165963.4(SCN1A):c.2592G>C (p.Leu864=)

Gene: SCN1A (sodium voltage-gated channel alpha subunit 1; minus strand). Cytogenetic location: 2q24.3.
Variant type: single nucleotide variant.
Coding change: c.2592G>C on transcript NM_001165963.4 (MANE Select); coding-DNA position 2592, G replaced by C.
Protein change: p.Leu864=; no amino-acid change (leucine 864 retained).
Molecular consequence: synonymous variant. On other transcripts: non-coding transcript variant (1).
Genome position (GRCh38, 1-based): chr2:166,038,130, C>G on the plus strand (G>C on the coding strand, the complement: SCN1A is on the minus strand). VCF-style: chr2-166038130-C-G. GRCh37 (hg19) VCF-style: chr2-166894640-C-G.
Other names: c.2508G>C, p.Leu836= (NM_001165964.3, NM_001353957.2, NM_001353958.2); c.2592G>C, p.Leu864= (NM_001202435.3, NM_001353948.2); c.2559G>C, p.Leu853= (NM_001353949.2, NM_001353950.2, NM_001353951.2 and 2 more transcripts); c.2556G>C, p.Leu852= (NM_001353954.2, NM_001353955.2); c.2505G>C, p.Leu835= (NM_001353960.2); c.150G>C, p.Leu50= (NM_001353961.2).
Identifiers: ClinVar variation 4821580 (VCV004821580.5).

ClinVar aggregate classification (germline): Likely benign. Review status: criteria provided, multiple submitters, no conflicts (2 of 4 stars). 2 submissions from 2 submitters: Likely benign (2). Last evaluated 2026-02-01.

gnomAD v4.1: 1 of 1,606,860 alleles (0.000062%); highest among the groups gnomAD compares: Non-Finnish European, 0.000085%; no homozygotes.

Submissions (2):

CeGaT Center for Human Genetics Tuebingen
Classification: Likely benign. Last evaluated: 2026-02-01. Review status: criteria provided, single submitter. Criteria: CeGaT Center For Human Genetics Tuebingen Variant Classification Criteria Version 2. Collection method: clinical testing. Allele origin: germline. Affected: yes. Observed: 1 variant allele.
Comment: SCN1A: BP4, BP7

Blueprint Genetics
Classification: Likely benign. Last evaluated: 2019-01-18. Review status: criteria provided, single submitter. Criteria: ACMG Guidelines, 2015. Collection method: clinical testing. Allele origin: germline.